The following is an entry in ClinVar:

ClinVar aggregate classification (germline): Uncertain significance. Review status: criteria provided, multiple submitters, no conflicts (2 of 4 stars). 3 submissions from 3 submitters: Uncertain significance (2). 1 of the submissions does not count toward it. Last evaluated 2026-02-17.

Conditions:
Alstrom syndrome (ALMS). Identifiers: Orphanet 64, MedGen C0268425, MONDO:0008763, OMIM 203800.

Allele frequency attached by ClinVar (database versions not stated): ExAC 0.00009; gnomAD exomes 0.00002; gnomAD 0.00003; TOPMed 0.00003.
gnomAD v4.1: 27 of 1,565,336 alleles (0.0017%); highest among the groups gnomAD compares: Middle Eastern, 0.017%; 1 homozygote.

Submissions (3):

GeneDx
Classification: Uncertain significance. Last evaluated: 2026-02-17. Review status: criteria provided, single submitter. Criteria: GeneDx Variant Classification Process June 2021. Collection method: clinical testing. Allele origin: germline.
Comment: In silico analysis supports that this missense variant has a deleterious effect on protein structure/function; Has not been previously published as pathogenic or benign to our knowledge

Labcorp Genetics (formerly Invitae), Labcorp
Classification: Uncertain significance for Alstrom syndrome. Last evaluated: 2022-08-16. Review status: criteria provided, single submitter. Criteria: Invitae Variant Classification Sherloc (09022015). Collection method: clinical testing. Allele origin: germline.
Comment: This sequence change replaces aspartic acid, which is acidic and polar, with asparagine, which is neutral and polar, at codon 58 of the ALMS1 protein (p.Asp58Asn). This variant is present in population databases (rs773881728, gnomAD 0.02%). This variant has not been reported in the literature in individuals affected with ALMS1-related conditions. ClinVar contains an entry for this variant (Variation ID: 971737). In summary, the available evidence is currently insufficient to determine the role of this variant in disease. Therefore, it has been classified as a Variant of Uncertain Significance.

Natera, Inc.
Classification: Uncertain significance for Alstrom syndrome. Last evaluated: 2021-04-07. Review status: no assertion criteria provided. Collection method: clinical testing. Allele origin: germline. Not counted in ClinVar's aggregate classification.

NM_001378454.1(ALMS1):c.169G>A (p.Asp57Asn)

Gene: ALMS1 (ALMS1 centrosome and basal body associated protein; plus strand). Cytogenetic location: 2p13.1.
Variant type: single nucleotide variant.
Coding change: c.169G>A on transcript NM_001378454.1 (MANE Select); coding-DNA position 169, G replaced by A.
Protein change: p.Asp57Asn; replaces aspartic acid 57 with asparagine.
Molecular consequence: missense variant.
Genome position (GRCh38, 1-based): chr2:73,386,037, G>A. VCF-style: chr2-73386037-G-A. GRCh37 (hg19) VCF-style: chr2-73613165-G-A.
Other names: c.172G>A, p.Asp58Asn (NM_015120.4); short protein forms D58N, D57N.
Identifiers: ClinVar variation 971737 (VCV000971737.8), dbSNP rs773881728, ClinGen allele CA1712757.